The following is an entry in ClinVar:

NM_001009999.3(KDM1A):c.218G>C (p.Gly73Ala)

Gene: KDM1A (lysine demethylase 1A; plus strand). Cytogenetic location: 1p36.12.
Variant type: single nucleotide variant.
Coding change: c.218G>C on transcript NM_001009999.3 (MANE Select); coding-DNA position 218, G replaced by C.
Protein change: p.Gly73Ala; replaces glycine 73 with alanine.
Molecular consequence: missense variant.
Genome position (GRCh38, 1-based): chr1:23,019,814, G>C. VCF-style: chr1-23019814-G-C. GRCh37 (hg19) VCF-style: chr1-23346307-G-C.
Other names: c.218G>C, p.Gly73Ala (NM_001363654.2, NM_001410762.1, NM_001410763.1 and 1 more transcripts); short protein forms G73A.
Identifiers: ClinVar variation 4826112 (VCV004826112.1).

ClinVar aggregate classification (germline): Uncertain significance (1 of 4 stars; one submission).

Conditions:
Inborn genetic diseases. Identifiers: MedGen C0950123, MeSH D030342.

gnomAD v4.1: 1 of 1,415,646 alleles (0.000071%); highest among the groups gnomAD compares: Admixed American, 0.0035%; no homozygotes.

Submission:

Ambry Genetics
Classification: Uncertain significance for Inborn genetic diseases. Last evaluated: 2026-02-26. Review status: criteria provided, single submitter. Criteria: Ambry Variant Classification Scheme 2023. Collection method: clinical testing. Allele origin: germline.
Comment: The p.G73A variant (also known as c.218G>C), located in coding exon 1 of the KDM1A gene, results from a G to C substitution at nucleotide position 218. The glycine at codon 73 is replaced by alanine, an amino acid with similar properties. This amino acid position is conserved. In addition, this alteration is predicted to be tolerated by in silico analysis. Based on the available evidence, the clinical significance of this variant remains unclear.